The following is an entry in ClinVar:

ClinVar aggregate classification (germline): Pathogenic/Likely pathogenic. Review status: criteria provided, multiple submitters, no conflicts (2 of 4 stars). 6 submissions from 6 submitters: Pathogenic (5); Likely pathogenic (1). Last evaluated 2026-04-24.

Conditions:
COL7A1-related disorder. Also called: COL7A1-related condition; COL7A1- related disorders.
Epidermolysis bullosa dystrophica. Also called: Dystrophic epidermolysis bullosa, Hallopeau-Siemens type (formerly); Dystrophic epidermolysis bullosa. Identifiers: Orphanet 303, MedGen C0079294, MONDO:0006543.
Transient bullous dermolysis of the newborn (TBDN). Also called: EPIDERMOLYSIS BULLOSA DYSTROPHICA, NEONATAL FORM; DYSTROPHIC EPIDERMOLYSIS BULLOSA, NEONATAL. Identifiers: Orphanet 79411, MedGen C1851573, MONDO:0007548, OMIM 131705.
Nonsyndromic congenital nail disorder 8. Also called: TOENAIL DYSTROPHY, ISOLATED. Identifiers: MedGen C1843761, MONDO:0011852, OMIM 607523.
Generalized dominant dystrophic epidermolysis bullosa (DDEB). Also called: DDEB, generalized; DDEB-gen; Dominant DEB (DDEB); DYSTROPHIC EPIDERMOLYSIS BULLOSA, AUTOSOMAL DOMINANT; Epidermolysis bullosa dystrophica, autosomal dominant. Identifiers: Orphanet 231568, MedGen C0432322, MONDO:0007549, OMIM 131750.
Recessive dystrophic epidermolysis bullosa (RDEB). Also called: Hallopeau-Siemens Disease; epidermolysis bullosa dystrophica, autosomal recessive; DYSTROPHIC EPIDERMOLYSIS BULLOSA, AUTOSOMAL RECESSIVE; EPIDERMOLYSIS BULLOSA DYSTROPHICA, HALLOPEAU-SIEMENS TYPE; Recessive DEB (RDEB); EPIDERMOLYSIS BULLOSA DYSTROPHICA, GENERALIZED SEVERE, AUTOSOMAL RECESSIVE. Identifiers: Orphanet 79408, Orphanet 79409, MedGen C0079474, MONDO:0009179, OMIM 226600.
Epidermolysis bullosa pruriginosa. Also called: DEB, PRURIGINOSA; DYSTROPHIC EPIDERMOLYSIS BULLOSA PRURIGINOSA. Identifiers: Orphanet 89843, MedGen C1275114, MONDO:0011398, OMIM 604129.
Pretibial dystrophic epidermolysis bullosa. Also called: Pretibial epidermolysis bullosa; Pretibial blistering; EPIDERMOLYSIS BULLOSA DYSTROPHICA, PRETIBIAL. Identifiers: Orphanet 79410, MedGen C0432321, MONDO:0007552, OMIM 131850, HP:0012221.
Dominant dystrophic epidermolysis bullosa with absence of skin. Also called: EPIDERMOLYSIS BULLOSA DYSTROPHICA, BART TYPE; EPIDERMOLYSIS BULLOSA WITH CONGENITAL LOCALIZED ABSENCE OF SKIN AND DEFORMITY OF NAILS. Identifiers: MedGen C0268371, MONDO:0007557, OMIM 132000.

Allele frequency attached by ClinVar (database versions not stated): ExAC 0.00001; gnomAD 0.00001; gnomAD exomes 0.00001 and 0.00002.

Submissions (6):

PreventionGenetics, part of Exact Sciences
Classification: Pathogenic for COL7A1-related condition. Last evaluated: 2026-04-24. Review status: criteria provided, single submitter. Criteria: ACMG Guidelines, 2015. Collection method: clinical testing. Allele origin: germline.
Comment: The COL7A1 c.6395G>A variant is predicted to result in the amino acid substitution p.Gly2132Asp. This variant has been reported in individuals with autosomal recessive dystrophic epidermolysis bullosa (RDEB, Whittock et al. 1999. PubMed ID: 10504458; Lwin et al. 2019. PubMed ID: 31167965). The amino acid p.Gly2132 resides within the triple helical domain of the COL7A1 protein (amino acids 1254-2784; Christiano et al. 1996. PubMed ID: 8644729). Glycine substitutions within this domain affect the folding and secretion of type VII collagen, and pathogenic variants altering glycine residues have been reported in individuals with COL7A1-related disorders (Dang and Murrell. 2008. PubMed ID: 18558993; Almaani et al. 2011. PubMed ID: 21448560; Vahidnezhad et al. 2017. PubMed ID: 27899325). An alternative glycine substitution at the same amino acid position (p.Gly2132Ser) has also been reported in an individual with RDEB (Kern et al. 2009. PubMed ID: 19681861). The c.6395G>A (p.Gly2132Asp) variant is reported in 0.0062% of alleles in individuals of African descent in gnomAD. In summary, this variant is interpreted as pathogenic.

Natera, Inc.
Classification: Likely pathogenic for Dystrophic epidermolysis bullosa. Last evaluated: 2025-12-04. Review status: criteria provided, single submitter. Criteria: Natera Variant Classification Schema (03/2026). Collection method: clinical testing. Allele origin: germline.
Comment: The c.6395G>A variant in COL7A1 is a missense variant predicted to cause substitution of glycine to aspartic acid at amino acid 2132. This variant is rare in the general population with a frequency below the threshold expected for the associated phenotype(s). This variant has been observed in one or more individuals affected with the associated recessive disease, as either homozygous or compound heterozygous with a second variant (PMID: 10504458, 31167965). Computational prediction algorithms indicate this variant is likely to affect gene or protein function. Given the available evidence, this variant is classified as Likely Pathogenic.

Labcorp Genetics (formerly Invitae), Labcorp
Classification: Pathogenic. Last evaluated: 2025-07-02. Review status: criteria provided, single submitter. Criteria: Invitae Variant Classification Sherloc (09022015). Collection method: clinical testing. Allele origin: germline.
Comment: This sequence change replaces glycine, which is neutral and non-polar, with aspartic acid, which is acidic and polar, at codon 2132 of the COL7A1 protein (p.Gly2132Asp). This variant is present in population databases (rs755669902, gnomAD 0.007%). This missense change has been observed in individual(s) with autosomal recessive epidermolysis bullosa (PMID: 10504458; internal data). In at least one individual the data is consistent with being in trans (on the opposite chromosome) from a pathogenic variant. ClinVar contains an entry for this variant (Variation ID: 1404275). Experimental studies and prediction algorithms are not available or were not evaluated, and the functional significance of this variant is currently unknown. This variant disrupts the triple helix domain of COL7A1. Glycine residues within the Gly-Xaa-Yaa repeats of the triple helix domain are required for the structure and stability of fibrillar collagens (PMID: 7695699, 8218237, 19344236), and variants at these glycine residues in COL7A1 are more frequently observed in individuals with disease than in the general population (PMID: 22058051). However, the clinical significance of this observation remains uncertain since only a limited number of affected individuals have been described to date. This variant disrupts the p.Gly2132 amino acid residue in COL7A1. Other variant(s) that disrupt this residue have been observed in individuals with COL7A1-related conditions (PMID: 19681861), which suggests that this may be a clinically significant amino acid residue. For these reasons, this variant has been classified as Pathogenic.

GeneDx
Classification: Pathogenic. Last evaluated: 2025-06-12. Review status: criteria provided, single submitter. Criteria: GeneDx Variant Classification Process June 2021. Collection method: clinical testing. Allele origin: germline. Affected: yes.
Comment: Observed in an individual with dystrophic epidermolysis bullosa in published literature who also harbors a second COL7A1 variant, but it is not known whether the variants occurred on the same (in cis) or on different (in trans) chromosomes (PMID: 10504458); Located in the highly conserved Gly-X-Y repeat of the collagenous domain; Glycine substitution variants in this region of the COLVII protein destabilize the collagen triple helix resulting in skin fragility due to poor anchoring of the basement membrane to the underlying dermis (PMID: 20301481); In silico analysis supports that this missense variant has a deleterious effect on protein structure/function; This variant is associated with the following publications: (PMID: 21448560, 18558993, 20301481, 10504458, 19681861)

Fulgent Genetics
Classification: Pathogenic for Transient bullous dermolysis of the newborn; Generalized dominant dystrophic epidermolysis bullosa; Pretibial dystrophic epidermolysis bullosa; Dominant dystrophic epidermolysis bullosa with absence of skin; Recessive dystrophic epidermolysis bullosa; Epidermolysis bullosa pruriginosa; Nonsyndromic congenital nail disorder 8. Last evaluated: 2024-02-09. Review status: criteria provided, single submitter. Criteria: ACMG Guidelines, 2015. Collection method: clinical testing. Allele origin: germline.

Blueprint Genetics
Classification: Pathogenic for COL7A1-related disorders. Last evaluated: 2023-03-24. Review status: criteria provided, single submitter. Criteria: ACMG Guidelines, 2015. Collection method: clinical testing. Allele origin: germline. Affected: yes. Observed: 5 variant alleles.

Literature cited by the submitters: PubMed 10504458 (cited by Natera, Inc. and Labcorp Genetics (formerly Invitae), Labcorp); PubMed 31167965 (cited by Natera, Inc.); PubMed 7695699 (cited by Labcorp Genetics (formerly Invitae), Labcorp); PubMed 8218237 (cited by Labcorp Genetics (formerly Invitae), Labcorp); PubMed 19344236 (cited by Labcorp Genetics (formerly Invitae), Labcorp); PubMed 22058051 (cited by Labcorp Genetics (formerly Invitae), Labcorp); PubMed 19681861 (cited by Labcorp Genetics (formerly Invitae), Labcorp).

NM_000094.4(COL7A1):c.6395G>A (p.Gly2132Asp)

Gene: COL7A1 (collagen type VII alpha 1 chain; minus strand). Cytogenetic location: 3p21.31.
Variant type: single nucleotide variant.
Coding change: c.6395G>A on transcript NM_000094.4 (MANE Select); coding-DNA position 6395, G replaced by A.
Protein change: p.Gly2132Asp; replaces glycine 2132 with aspartic acid.
Molecular consequence: missense variant.
Genome position (GRCh38, 1-based): chr3:48,574,549, C>T on the plus strand (G>A on the coding strand, the complement: COL7A1 is on the minus strand). VCF-style: chr3-48574549-C-T. GRCh37 (hg19) VCF-style: chr3-48611982-C-T.
Other names: c.6395G>A (NM_000094.3); short protein forms G2132D.
Identifiers: ClinVar variation 1404275 (VCV001404275.12), dbSNP rs755669902, ClinGen allele CA2379059.